The following is an entry in ClinVar:

ClinVar aggregate classification (germline): Uncertain significance. Review status: criteria provided, multiple submitters, no conflicts (2 of 4 stars). 3 submissions from 3 submitters: Uncertain significance (3). Last evaluated 2025-09-10.

Conditions:
Inborn genetic diseases. Identifiers: MedGen C0950123, MeSH D030342.

Allele frequency attached by ClinVar (database versions not stated): gnomAD exomes below 0.00001; ExAC 0.00001; gnomAD 0.00002 and 0.00003; TOPMed 0.00002; ESP Exome Variant Server 0.00012.
gnomAD v4.1: 9 of 1,612,126 alleles (0.00056%); highest among the groups gnomAD compares: East Asian, 0.0022%; no homozygotes.

Submissions (3):

Ambry Genetics
Classification: Uncertain significance for Inborn genetic diseases. Last evaluated: 2025-09-10. Review status: criteria provided, single submitter. Criteria: Ambry Variant Classification Scheme 2023. Collection method: clinical testing. Allele origin: germline.

Labcorp Genetics (formerly Invitae), Labcorp
Classification: Uncertain significance. Last evaluated: 2024-05-31. Review status: criteria provided, single submitter. Criteria: Invitae Variant Classification Sherloc (09022015). Collection method: clinical testing. Allele origin: germline.
Comment: This sequence change replaces isoleucine, which is neutral and non-polar, with threonine, which is neutral and polar, at codon 1155 of the COL11A2 protein (p.Ile1155Thr). This variant is present in population databases (rs377230752, gnomAD 0.002%). This missense change has been observed in individual(s) with autosomal recessive deafness (Invitae). ClinVar contains an entry for this variant (Variation ID: 1394448). Advanced modeling of protein sequence and biophysical properties (such as structural, functional, and spatial information, amino acid conservation, physicochemical variation, residue mobility, and thermodynamic stability) performed at Invitae indicates that this missense variant is not expected to disrupt COL11A2 protein function with a negative predictive value of 95%. In summary, the available evidence is currently insufficient to determine the role of this variant in disease. Therefore, it has been classified as a Variant of Uncertain Significance.

GeneDx
Classification: Uncertain significance. Last evaluated: 2023-11-29. Review status: criteria provided, single submitter. Criteria: GeneDx Variant Classification Process June 2021. Collection method: clinical testing. Allele origin: germline. Affected: yes.
Comment: Not observed at significant frequency in large population cohorts (gnomAD); In silico analysis supports that this missense variant does not alter protein structure/function; Has not been previously published as pathogenic or benign to our knowledge

NM_080680.3(COL11A2):c.3464T>C (p.Ile1155Thr)

Gene: COL11A2 (collagen type XI alpha 2 chain; minus strand). Cytogenetic location: 6p21.32.
Variant type: single nucleotide variant.
Coding change: c.3464T>C on transcript NM_080680.3 (MANE Select); coding-DNA position 3464, T replaced by C.
Protein change: p.Ile1155Thr; replaces isoleucine 1155 with threonine.
Molecular consequence: missense variant.
Genome position (GRCh38, 1-based): chr6:33,170,820, A>G on the plus strand (T>C on the coding strand, the complement: COL11A2 is on the minus strand). VCF-style: chr6-33170820-A-G. GRCh37 (hg19) VCF-style: chr6-33138597-A-G.
Other names: c.3464T>C (NM_080680.2); c.3143T>C, p.Ile1048Thr (NM_080679.3); c.3206T>C, p.Ile1069Thr (NM_080681.3); short protein forms I1069T, I1048T, I1155T.
Identifiers: ClinVar variation 1394448 (VCV001394448.10), dbSNP rs377230752, ClinGen allele CA3750510.
Genomic context (GRCh38, chr6:33,170,820, plus strand): 5'-CACCCCATCCTGACCCCACCTCTCAGCCCCTGTCCTATCCCCCAACACACCTGTAGGCCA[A>G]TGGGTCCTGGGGGCCCATTGAATCCTCTTGTTCCTTCATCACCTTTGGCTCCAAAGTGTC-3'
Protein context (NP_542411.2, residues 1145-1165): TRGFNGPPGP[Ile1155Thr]GLQGLPGPSG